The following is an entry in ClinVar:

ClinVar aggregate classification (germline): Likely benign (1 of 4 stars; one submission).

gnomAD v4.1: 53 of 1,613,402 alleles (0.0033%); highest among the groups gnomAD compares: African/African-American, 0.061%; no homozygotes.

Submission:

CeGaT Center for Human Genetics Tuebingen
Classification: Likely benign. Last evaluated: 2026-03-01. Review status: criteria provided, single submitter. Criteria: CeGaT Center For Human Genetics Tuebingen Variant Classification Criteria Version 2. Collection method: clinical testing. Allele origin: germline. Affected: yes. Observed: 1 variant allele.
Comment: ZNF292: BP4, BP7

NM_015021.3(ZNF292):c.5541A>G (p.Leu1847=)

Gene: ZNF292 (zinc finger protein 292; plus strand). Cytogenetic location: 6q14.3.
Variant type: single nucleotide variant.
Coding change: c.5541A>G on transcript NM_015021.3 (MANE Select); coding-DNA position 5541, A replaced by G.
Protein change: p.Leu1847=; no amino-acid change (leucine 1847 retained).
Molecular consequence: synonymous variant.
Genome position (GRCh38, 1-based): chr6:87,259,170, A>G. VCF-style: chr6-87259170-A-G. GRCh37 (hg19) VCF-style: chr6-87968888-A-G.
Other names: c.5121A>G, p.Leu1707= (NM_001351444.2).
Identifiers: ClinVar variation 4822243 (VCV004822243.4).